The following is an entry in ClinVar:

NM_152906.7(TANGO2):c.56+9C>T

Gene: TANGO2 (transport and golgi organization 2 homolog; plus strand). Cytogenetic location: 22q11.21.
Variant type: single nucleotide variant.
Coding change: c.56+9C>T on transcript NM_152906.7 (MANE Select); 9 bases into the intron after coding-DNA position 56, C replaced by T.
Molecular consequence: intron variant. On other transcripts: 5 prime UTR variant (12), non-coding transcript variant (1).
Genome position (GRCh38, 1-based): chr22:20,036,863, C>T. VCF-style: chr22-20036863-C-T. GRCh37 (hg19) VCF-style: chr22-20024386-C-T.
Other names: c.56+9C>T (NM_152906.6, NM_001283106.3, NM_001322163.2 and 11 more transcripts); c.-53C>T (NM_001283129.3, NM_001283215.3, NM_001322141.2 and 5 more transcripts); c.-355C>T (NM_001322148.2, NM_001322150.2, NM_001322172.2 and 1 more transcripts); c.-124+9C>T (NM_001322174.2, NM_001322160.2, NM_001322175.2 and 5 more transcripts).
Identifiers: ClinVar variation 1988921 (VCV001988921.6), dbSNP rs1418104467, ClinGen allele CA638504799.
Genomic context (GRCh38, chr22:20,036,863, plus strand): 5'-GCATCATCTTCTTTAAGTTTGATCCTCGCCCTGTTTCCAAAAACGCGTACAGGTAACCCC[C>T]TCGCTCTGCATCTGCTGCGCCCTGCAGGGTCCTGGGTGCCCAGCCAGTTCTCATGCCACC-3'

ClinVar aggregate classification (germline): Likely benign. Review status: criteria provided, single submitter (1 of 4 stars). 2 submissions from 2 submitters: Likely benign (1). 1 of the submissions does not count toward it. Last evaluated 2023-06-27.

Conditions:
TANGO2-related disorder. Also called: TANGO2-related condition.

Allele frequency attached by ClinVar (database versions not stated): gnomAD exomes below 0.00001; TOPMed below 0.00001; gnomAD 0.00001.
gnomAD v4.1: 7 of 1,614,140 alleles (0.00043%); highest among the groups gnomAD compares: Middle Eastern, 0.016%; no homozygotes.

Submissions (2):

Labcorp Genetics (formerly Invitae), Labcorp
Classification: Likely benign. Last evaluated: 2023-06-27. Review status: criteria provided, single submitter. Criteria: Invitae Variant Classification Sherloc (09022015). Collection method: clinical testing. Allele origin: germline.

PreventionGenetics, part of Exact Sciences
Classification: Likely benign for TANGO2-related condition. Last evaluated: 2020-12-31. Review status: no assertion criteria provided. Collection method: clinical testing. Allele origin: germline. Not counted in ClinVar's aggregate classification.
Comment: This variant is classified as likely benign based on ACMG/AMP sequence variant interpretation guidelines (Richards et al. 2015 PMID: 25741868, with internal and published modifications).